The following is an entry in ClinVar:

ClinVar aggregate classification (germline): Uncertain significance. Review status: criteria provided, multiple submitters, no conflicts (2 of 4 stars). 2 submissions from 2 submitters: Uncertain significance (2). Last evaluated 2026-03-19.

gnomAD v4.1: 1 of 1,209,089 alleles (0.000083%); highest among the groups gnomAD compares: Non-Finnish European, 0.00011%; no homozygotes.

Submissions (2):

GeneDx
Classification: Uncertain significance. Last evaluated: 2026-03-19. Review status: criteria provided, single submitter. Criteria: GeneDx Variant Classification Process June 2021. Collection method: clinical testing. Allele origin: germline.
Comment: Not observed at significant frequency in large population cohorts (gnomAD); Nonsense variant predicted to result in protein truncation as the last 34 amino acid(s) are lost; Has not been previously published as pathogenic or benign to our knowledge

Blueprint Genetics
Classification: Uncertain significance. Last evaluated: 2024-04-10. Review status: criteria provided, single submitter. Criteria: ACMG Guidelines, 2015. Collection method: clinical testing. Allele origin: germline.

NM_004187.5(KDM5C):c.4579G>T (p.Glu1527Ter)

Gene: KDM5C (lysine demethylase 5C; minus strand). Cytogenetic location: Xp11.22.
Variant type: single nucleotide variant.
Coding change: c.4579G>T on transcript NM_004187.5 (MANE Select); coding-DNA position 4579, G replaced by T.
Protein change: p.Glu1527Ter; replaces glutamic acid 1527 with a stop codon.
Molecular consequence: nonsense. On other transcripts: intron variant (5).
Genome position (GRCh38, 1-based): chrX:53,193,071, C>A on the plus strand (G>T on the coding strand, the complement: KDM5C is on the minus strand). VCF-style: chrX-53193071-C-A. GRCh37 (hg19) VCF-style: chrX-53222253-C-A.
Other names: c.4576G>T, p.Glu1526Ter (NM_001282622.3); c.4570G>T, p.Glu1524Ter (NM_001353978.3); c.4305+366G>T (NM_001353982.2); c.4314+366G>T (NM_001353979.2); c.4308+366G>T (NM_001353981.2, NM_001353984.2); c.4047-234G>T (NM_001146702.2); c.4579G>T (NM_004187.2); short protein forms E1524*, E1527*, E1526*.
Identifiers: ClinVar variation 4950802 (VCV004950802.2).